The following is an entry in ClinVar:

NM_017999.5(RNF31):c.2986G>A (p.Gly996Ser)

Gene: RNF31 (ring finger protein 31; plus strand). Cytogenetic location: 14q12.
Variant type: single nucleotide variant.
Coding change: c.2986G>A on transcript NM_017999.5 (MANE Select); coding-DNA position 2986, G replaced by A.
Protein change: p.Gly996Ser; replaces glycine 996 with serine.
Molecular consequence: missense variant.
Genome position (GRCh38, 1-based): chr14:24,159,950, G>A. VCF-style: chr14-24159950-G-A. GRCh37 (hg19) VCF-style: chr14-24629159-G-A.
Other names: c.2533G>A, p.Gly845Ser (NM_001310332.2); c.2986G>A (NM_017999.4); short protein forms G845S, G996S.
Identifiers: ClinVar variation 1659390 (VCV001659390.10), dbSNP rs200953781, ClinGen allele CA7126228.

ClinVar aggregate classification (germline): Likely benign. Review status: criteria provided, single submitter (1 of 4 stars). 2 submissions from 2 submitters: Likely benign (1). 1 of the submissions does not count toward it. Last evaluated 2026-01-11.

Conditions:
RNF31-related disorder. Also called: RNF31-related condition.

Allele frequency attached by ClinVar (database versions not stated): ESP Exome Variant Server 0.00008; gnomAD exomes 0.00013 and 0.00037; gnomAD 0.00014; TOPMed 0.00015; ExAC 0.00034; 1000 Genomes Project 0.00040; 1000 Genomes Project 30x 0.00047.
gnomAD v4.1: 216 of 1,613,622 alleles (0.013%); highest among the groups gnomAD compares: East Asian, 0.31%; no homozygotes.

Submissions (2):

Labcorp Genetics (formerly Invitae), Labcorp
Classification: Likely benign. Last evaluated: 2026-01-11. Review status: criteria provided, single submitter. Criteria: Invitae Variant Classification Sherloc (09022015). Collection method: clinical testing. Allele origin: germline.

PreventionGenetics, part of Exact Sciences
Classification: Likely benign for RNF31-related condition. Last evaluated: 2023-02-21. Review status: no assertion criteria provided. Collection method: clinical testing. Allele origin: germline. Not counted in ClinVar's aggregate classification.
Comment: This variant is classified as likely benign based on ACMG/AMP sequence variant interpretation guidelines (Richards et al. 2015 PMID: 25741868, with internal and published modifications).